The following is an entry in ClinVar:

NM_015662.3(IFT172):c.4815+1G>A

Genes: IFT172 (intraflagellar transport 172; minus strand), KRTCAP3 (keratinocyte associated protein 3; plus strand). Cytogenetic location: 2p23.3.
Variant type: single nucleotide variant.
Coding change: c.4815+1G>A on transcript NM_015662.3 (MANE Select); the canonical splice donor site of the intron after coding-DNA position 4815, G replaced by A.
Molecular consequence: splice donor variant. On other transcripts: intron variant (1).
Genome position (GRCh38, 1-based): chr2:27,445,928, C>T on the plus strand (G>A on the coding strand, the complement: IFT172 is on the minus strand). VCF-style: chr2-27445928-C-T. GRCh37 (hg19) VCF-style: chr2-27668795-C-T.
Other names: c.*6-373C>T (NM_001168364.2); c.4749+1G>A (NM_001410739.1).
Identifiers: ClinVar variation 2935248 (VCV002935248.3), dbSNP rs752257485, ClinGen allele CA1579466.

ClinVar aggregate classification (germline): Likely pathogenic (1 of 4 stars; one submission).

Conditions:
Short-rib thoracic dysplasia 10 with or without polydactyly (SRTD10). Identifiers: Orphanet 474, MedGen C3810175, MONDO:0014284, OMIM 615630.
Retinitis pigmentosa 71 (RP71). Identifiers: Orphanet 791, MedGen C4225342, MONDO:0014618, OMIM 616394.

Allele frequency attached by ClinVar (database versions not stated): ExAC 0.00001; gnomAD exomes below 0.00001; TOPMed 0.00001; gnomAD 0.00003.
gnomAD v4.1: 5 of 1,614,110 alleles (0.00031%); highest among the groups gnomAD compares: African/African-American, 0.004%; no homozygotes.

Submission:

Labcorp Genetics (formerly Invitae), Labcorp
Classification: Likely pathogenic for Retinitis pigmentosa 71; Short-rib thoracic dysplasia 10 with or without polydactyly. Last evaluated: 2023-12-20. Review status: criteria provided, single submitter. Criteria: Invitae Variant Classification Sherloc (09022015). Collection method: clinical testing. Allele origin: germline.
Comment: This sequence change affects a donor splice site in intron 44 of the IFT172 gene. It is expected to disrupt RNA splicing. Variants that disrupt the donor or acceptor splice site typically lead to a loss of protein function (PMID: 16199547), and loss-of-function variants in IFT172 are known to be pathogenic (PMID: 24140113). This variant is present in population databases (rs752257485, gnomAD 0.008%). This variant has not been reported in the literature in individuals affected with IFT172-related conditions. Algorithms developed to predict the effect of sequence changes on RNA splicing suggest that this variant may disrupt the consensus splice site. In summary, the currently available evidence indicates that the variant is pathogenic, but additional data are needed to prove that conclusively. Therefore, this variant has been classified as Likely Pathogenic.

Literature cited by the submitters: PubMed 16199547; PubMed 24140113.